The following is an entry in ClinVar:

NM_000500.9(CYP21A2):c.-210T>C

Genes: CYP21A2 (cytochrome P450 family 21 subfamily A member 2; plus strand), LOC106780800 (CYP21A2 recombination region; plus strand), LOC110631417 (CYP21A2 5' regulatory region; plus strand). Cytogenetic location: 6p21.33.
Variant type: single nucleotide variant.
Coding change: c.-210T>C on transcript NM_000500.9 (MANE Select); 210 bases upstream of the start codon, T replaced by C.
Genome position (GRCh38, 1-based): chr6:32,038,213, T>C. VCF-style: chr6-32038213-T-C. GRCh37 (hg19) VCF-style: chr6-32005990-T-C.
Identifiers: ClinVar variation 3251595 (VCV003251595.1), dbSNP rs1362570194.

ClinVar aggregate classification (germline): Uncertain significance (1 of 4 stars; one submission).

Allele frequency attached by ClinVar (database versions not stated): 1000 Genomes Project 30x 0.00141.

Submission:

Women's Health and Genetics/Laboratory Corporation of America, LabCorp
Classification: Uncertain significance. Last evaluated: 2024-04-02. Review status: criteria provided, single submitter. Criteria: LabCorp Variant Classification Summary - May 2015. Collection method: clinical testing. Allele origin: germline.
Comment: Variant summary: CYP21A2 c.-210T>C is located in the untranscribed region upstream of the CYP21A2 gene region. The frequency data for this variant in gnomAD is considered unreliable, as metrics indicate poor data quality at this position. c.-210T>C has been reported in the literature in at-least two individuals of autosomal recessive Congenital Adrenal Hyperplasia with two pathogenic compound heterozygous variants in CYP21A2 (example, Araujo_2005, Zhao_2022). Co-occurrences with other pathogenic variant(s) have been reported (in cis with CYP21A2 c.92C>T, p.Pro31Leu), providing supporting evidence for a benign role; however this variant may also be derived from an adjacent pseudogene CYP21P (Lee_2003). To our knowledge, no experimental evidence demonstrating an impact on protein function has been reported. The following publications have been ascertained in the context of this evaluation (PMID: 15670187, 12788880, 36866166). No submitters have cited clinical-significance assessments for this variant to ClinVar. Based on the evidence outlined above, the variant was classified as VUS-possibly benign.

Literature cited by the submitters: PubMed 12788880; PubMed 15670187; PubMed 36866166.